The following is an entry in ClinVar:

NM_017636.4(TRPM4):c.2953+5G>C

Gene: TRPM4 (transient receptor potential cation channel subfamily M member 4; plus strand). Cytogenetic location: 19q13.33.
Variant type: single nucleotide variant.
Coding change: c.2953+5G>C on transcript NM_017636.4 (MANE Select); 5 bases into the intron after coding-DNA position 2953, G replaced by C.
Molecular consequence: intron variant.
Genome position (GRCh38, 1-based): chr19:49,200,790, G>C. VCF-style: chr19-49200790-G-C. GRCh37 (hg19) VCF-style: chr19-49704047-G-C.
Other names: c.2518+5G>C (NM_001195227.2); c.1345+5G>C (NM_001321282.2); c.2608+5G>C (NM_001321281.2); c.2431+5G>C (NM_001321283.2); c.1891+5G>C (NM_001321285.2).
Identifiers: ClinVar variation 658631 (VCV000658631.16), dbSNP rs200998908, ClinGen allele CA9569716.
Genomic context (GRCh38, chr19:49,200,790, plus strand): 5'-CTTCTACCGTCCCTACCTGCAGATCTTCGGGCAGATTCCCCAGGAGGACATGGACGGTAG[G>C]GGGGATGACGGCCTGACAGCCTTCCTCTGAGTCTCTGTCCCCGCTCCCTGGGTCTCTGTC-3'

ClinVar aggregate classification (germline): Uncertain significance. Review status: criteria provided, multiple submitters, no conflicts (2 of 4 stars). 5 submissions from 5 submitters: Uncertain significance (5). Last evaluated 2026-10-01.

Conditions:
Progressive familial heart block type IB (PFHB1B). Identifiers: Orphanet 871, MedGen C1970298, MONDO:0011474, OMIM 604559.
Erythrokeratodermia variabilis et progressiva 6. Identifiers: MedGen C5193144, MONDO:0032801, OMIM 618531.
Cardiovascular phenotype. Identifiers: MedGen CN230736.

Allele frequency attached by ClinVar (database versions not stated): TOPMed 0.00017; ExAC 0.00007; gnomAD 0.00009 and 0.00010; ESP Exome Variant Server 0.00015.
gnomAD v4.1: 251 of 1,613,570 alleles (0.016%); highest among the groups gnomAD compares: Non-Finnish European, 0.02%; 1 homozygote.

Submissions (5):

GeneDx
Classification: Uncertain significance. Last evaluated: 2026-10-01. Review status: criteria provided, single submitter. Criteria: GeneDx Variant Classification Process June 2021. Collection method: clinical testing. Allele origin: germline.
Comment: Reported in an abstract in an athlete with prominent deep symmetrical T wave inversion in the inferolateral leads and normal echocardiogram and classified as a variant of uncertain significance (Cronin et al., 2019, Cardiovascular risk in athletes); In silico analysis is inconclusive as to whether the variant alters gene splicing. In the absence of RNA/functional studies, the actual effect of this sequence change is unknown.; This variant is associated with the following publications: (PMID: 17576681, 9536098)

Labcorp Genetics (formerly Invitae), Labcorp
Classification: Uncertain significance for Progressive familial heart block type IB. Last evaluated: 2025-08-24. Review status: criteria provided, single submitter. Criteria: Invitae Variant Classification Sherloc (09022015). Collection method: clinical testing. Allele origin: germline.
Comment: This sequence change falls in intron 19 of the TRPM4 gene. It does not directly change the encoded amino acid sequence of the TRPM4 protein. It affects a nucleotide within the consensus splice site. This variant is present in population databases (rs200998908, gnomAD 0.01%). This variant has not been reported in the literature in individuals affected with TRPM4-related conditions. ClinVar contains an entry for this variant (Variation ID: 658631). Variants that disrupt the consensus splice site are a relatively common cause of aberrant splicing (PMID: 17576681, 9536098). Algorithms developed to predict the effect of sequence changes on RNA splicing suggest that this variant may disrupt the consensus splice site. In summary, the available evidence is currently insufficient to determine the role of this variant in disease. Therefore, it has been classified as a Variant of Uncertain Significance.

Ambry Genetics
Classification: Uncertain significance for Cardiovascular phenotype. Last evaluated: 2024-11-18. Review status: criteria provided, single submitter. Criteria: Ambry Variant Classification Scheme 2023. Collection method: clinical testing. Allele origin: germline.
Comment: The c.2953+5G>C intronic variant results from a G to C substitution 5 nucleotides after coding exon 19 in the TRPM4 gene. This nucleotide position is well conserved in available vertebrate species. In silico splice site analysis for this alteration is inconclusive. Based on the available evidence, the clinical significance of this variant remains unclear.

Blueprint Genetics
Classification: Uncertain significance. Last evaluated: 2024-01-09. Review status: criteria provided, single submitter. Criteria: ACMG Guidelines, 2015. Collection method: clinical testing. Allele origin: germline.

Fulgent Genetics
Classification: Uncertain significance for Progressive familial heart block type IB; Erythrokeratodermia variabilis et progressiva 6. Last evaluated: 2021-12-21. Review status: criteria provided, single submitter. Criteria: ACMG Guidelines, 2015. Collection method: clinical testing. Allele origin: unknown.

Literature cited by the submitters: PubMed 17576681 (cited by Labcorp Genetics (formerly Invitae), Labcorp); PubMed 9536098 (cited by Labcorp Genetics (formerly Invitae), Labcorp).